The following is an entry in ClinVar:

NM_005477.3(HCN4):c.1978+252C>T

Gene: HCN4 (hyperpolarization activated cyclic nucleotide gated potassium channel 4; minus strand). Cytogenetic location: 15q24.1.
Variant type: single nucleotide variant.
Coding change: c.1978+252C>T on transcript NM_005477.3 (MANE Select); 252 bases into the intron after coding-DNA position 1978, C replaced by T.
Molecular consequence: intron variant.
Genome position (GRCh38, 1-based): chr15:73,324,703, G>A on the plus strand (C>T on the coding strand, the complement: HCN4 is on the minus strand). VCF-style: chr15-73324703-G-A. GRCh37 (hg19) VCF-style: chr15-73617044-G-A.
Identifiers: ClinVar variation 668903 (VCV000668903.1), dbSNP rs72741448, ClinGen allele CA14135307.

ClinVar aggregate classification (germline): Benign (1 of 4 stars; one submission).

Allele frequency attached by ClinVar (database versions not stated): gnomAD 0.11507 and 0.12643; TOPMed 0.13258; 1000 Genomes Project 30x 0.21268; 1000 Genomes Project 0.22304.
gnomAD v4.1: 19,243 of 152,162 alleles (13%); highest among the groups gnomAD compares: East Asian, 52%; 1,916 homozygotes.

Submission:

GeneDx
Classification: Benign. Last evaluated: 2018-06-18. Review status: criteria provided, single submitter. Criteria: GeneDx Variant Classification (06012015). Collection method: clinical testing. Allele origin: germline. Affected: yes.
Comment: This variant is considered likely benign or benign based on one or more of the following criteria: it is a conservative change, it occurs at a poorly conserved position in the protein, it is predicted to be benign by multiple in silico algorithms, and/or has population frequency not consistent with disease.